The following is an entry in ClinVar:

ClinVar aggregate classification (germline): Benign (1 of 4 stars; one submission).

Submission:

GeneDx
Classification: Benign. Last evaluated: 2018-06-14. Review status: criteria provided, single submitter. Criteria: GeneDx Variant Classification (06012015). Collection method: clinical testing. Allele origin: germline. Affected: yes.
Comment: This variant is considered likely benign or benign based on one or more of the following criteria: it is a conservative change, it occurs at a poorly conserved position in the protein, it is predicted to be benign by multiple in silico algorithms, and/or has population frequency not consistent with disease.

NM_001267550.2(TTN):c.47573-112_47573-109del

Genes: TTN-AS1 (TTN antisense RNA 1; plus strand), TTN (titin; minus strand). Cytogenetic location: 2q31.2.
Variant type: Deletion.
Coding change: c.47573-112_47573-109del on transcript NM_001267550.2 (MANE Select); 112 bases into the intron before coding-DNA position 47573 through 109 bases into the intron before coding-DNA position 47573, 4 bases deleted (CTTA; older notation c.47573-112_47573-109delCTTA).
Molecular consequence: intron variant.
Genome position (GRCh38, 1-based): chr2:178,617,621-178,617,624, TAAG deleted on the plus strand (CTTA on the coding strand, the reverse complement: TTN is on the minus strand); deleting any 4 consecutive bases within chr2:178,617,621-178,617,627 gives the same sequence; the c. name uses the placement nearest the transcript's 3' end. VCF-style (leftmost placement, unchanged base first): chr2-178617620-CTAAG-C. GRCh37 (hg19) VCF-style: chr2-179482347-CTAAG-C.
Other names: c.42650-112_42650-109delCTTA (NM_001256850.1); c.20378-112_20378-109del (NM_003319.4); c.20954-112_20954-109del (NM_133437.4); c.20753-112_20753-109del (NM_133432.3); c.39869-112_39869-109del (NM_133378.4); c.42650-112_42650-109del (NM_001256850.1).
Identifiers: ClinVar variation 672047 (VCV000672047.1), dbSNP rs72677235, ClinGen allele CA60990267.